The following is an entry in ClinVar:

NM_001287491.2(TET3):c.4241C>T (p.Ala1414Val)

Gene: TET3 (tet methylcytosine dioxygenase 3; plus strand). Cytogenetic location: 2p13.1.
Variant type: single nucleotide variant.
Coding change: c.4241C>T on transcript NM_001287491.2 (MANE Select); coding-DNA position 4241, C replaced by T.
Protein change: p.Ala1414Val; replaces alanine 1414 with valine.
Molecular consequence: missense variant.
Genome position (GRCh38, 1-based): chr2:74,101,029, C>T. VCF-style: chr2-74101029-C-T. GRCh37 (hg19) VCF-style: chr2-74328156-C-T.
Other names: c.3962C>T, p.Ala1321Val (NM_001366022.1); short protein forms A1321V, A1414V.
Identifiers: ClinVar variation 3391665 (VCV003391665.1).

ClinVar aggregate classification (germline): Uncertain significance (1 of 4 stars; one submission).

gnomAD v4.1: 31 of 1,613,118 alleles (0.0019%); highest among the groups gnomAD compares: Admixed American, 0.048%; no homozygotes.

Submission:

GeneDx
Classification: Uncertain significance. Last evaluated: 2024-06-18. Review status: criteria provided, single submitter. Criteria: GeneDx Variant Classification Process June 2021. Collection method: clinical testing. Allele origin: germline. Affected: yes.
Comment: In silico analysis indicates that this missense variant does not alter protein structure/function; Has not been previously published as pathogenic or benign to our knowledge